The following is an entry in ClinVar:

NM_212550.5(BLOC1S3):c.206C>T (p.Pro69Leu)

Gene: BLOC1S3 (biogenesis of lysosomal organelles complex 1 subunit 3; plus strand). Cytogenetic location: 19q13.32.
Variant type: single nucleotide variant.
Coding change: c.206C>T on transcript NM_212550.5 (MANE Select); coding-DNA position 206, C replaced by T.
Protein change: p.Pro69Leu; replaces proline 69 with leucine.
Molecular consequence: missense variant.
Genome position (GRCh38, 1-based): chr19:45,179,502, C>T. VCF-style: chr19-45179502-C-T. GRCh37 (hg19) VCF-style: chr19-45682760-C-T.
Other names: short protein forms P69L.
Identifiers: ClinVar variation 3610946 (VCV003610946.1).
Genomic context (GRCh38, chr19:45,179,502, plus strand): 5'-GCCGCCCCACGGGGCTGCGGGTGGCTGGGGAAGCCGCGGAGACCGACTCGGAGCCGGAGC[C>T]GGAGCCGGAACCGACGGCCGCGCCGAGGGACCTGCCTCCACTCGTGGTGCAGCGGGAATC-3'
Protein context (NP_997715.1, residues 59-79): EAAETDSEPE[Pro69Leu]EPEPTAAPRD

ClinVar aggregate classification (germline): Uncertain significance (1 of 4 stars; one submission).

gnomAD v4.1: 3 of 1,523,406 alleles (0.0002%); highest among the groups gnomAD compares: Non-Finnish European, 0.00026%; no homozygotes.

Submission:

Labcorp Genetics (formerly Invitae), Labcorp
Classification: Uncertain significance. Last evaluated: 2024-11-07. Review status: criteria provided, single submitter. Criteria: Invitae Variant Classification Sherloc (09022015). Collection method: clinical testing. Allele origin: germline.
Comment: This sequence change replaces proline, which is neutral and non-polar, with leucine, which is neutral and non-polar, at codon 69 of the BLOC1S3 protein (p.Pro69Leu). This variant is not present in population databases (gnomAD no frequency). This variant has not been reported in the literature in individuals affected with BLOC1S3-related conditions. An algorithm developed to predict the effect of missense changes on protein structure and function (PolyPhen-2) suggests that this variant is likely to be disruptive. In summary, the available evidence is currently insufficient to determine the role of this variant in disease. Therefore, it has been classified as a Variant of Uncertain Significance.